The following is an entry in ClinVar:

NM_005732.4(RAD50):c.3682A>G (p.Ile1228Val)

Genes: TH2-LCR (Th2 cytokine locus control region; plus strand), TH2LCRR (T helper type 2 locus control region associated RNA; minus strand), RAD50 (RAD50 double strand break repair protein; plus strand). Cytogenetic location: 5q31.1.
Variant type: single nucleotide variant.
Coding change: c.3682A>G on transcript NM_005732.4 (MANE Select); coding-DNA position 3682, A replaced by G.
Protein change: p.Ile1228Val; replaces isoleucine 1228 with valine.
Molecular consequence: missense variant.
Genome position (GRCh38, 1-based): chr5:132,640,735, A>G. VCF-style: chr5-132640735-A-G. GRCh37 (hg19) VCF-style: chr5-131976427-A-G.
Other names: short protein forms I1228V.
Identifiers: ClinVar variation 234073 (VCV000234073.16), dbSNP rs876660831, ClinGen allele CA10578612.

ClinVar aggregate classification (germline): Uncertain significance. Review status: criteria provided, multiple submitters, no conflicts (2 of 4 stars). 2 submissions from 2 submitters: Uncertain significance (2). Last evaluated 2025-09-10.

Conditions:
Hereditary cancer-predisposing syndrome. Also called: Neoplastic Syndromes, Hereditary; Tumor predisposition; Hereditary Cancer Syndrome; Hereditary neoplastic syndrome. Identifiers: Orphanet 140162, MedGen C0027672, MeSH D009386, MONDO:0015356.

Allele frequency attached by ClinVar (database versions not stated): gnomAD exomes below 0.00001; gnomAD 0.00001; TOPMed 0.00002.
gnomAD v4.1: 2 of 1,614,062 alleles (0.00012%); highest among the groups gnomAD compares: African/African-American, 0.0027%; no homozygotes.

Submissions (2):

Ambry Genetics
Classification: Uncertain significance for Hereditary cancer-predisposing syndrome. Last evaluated: 2025-09-10. Review status: criteria provided, single submitter. Criteria: Ambry Variant Classification Scheme 2023. Collection method: clinical testing. Allele origin: germline.
Comment: The p.I1228V variant (also known as c.3682A>G), located in coding exon 24 of the RAD50 gene, results from an A to G substitution at nucleotide position 3682. The isoleucine at codon 1228 is replaced by valine, an amino acid with highly similar properties. This variant was not reported in population based cohorts in the following databases: Database of Single Nucleotide Polymorphisms (dbSNP), NHLBI Exome Sequencing Project (ESP), and 1000 Genomes Project. In the ESP, this variant was not observed in 6503 samples (13006 alleles) with coverage at this position. To date, this alteration has been detected with an allele frequency of approximately 0.002% (greater than 120000 alleles tested) in our clinical cohort. This amino acid position is not well conserved in available vertebrate species. In addition, this alteration is predicted to be tolerated by in silico analysis. Since supporting evidence is limited at this time, the clinical significance of p.I1228V remains unclear.

Labcorp Genetics (formerly Invitae), Labcorp
Classification: Uncertain significance for Hereditary cancer-predisposing syndrome. Last evaluated: 2025-04-27. Review status: criteria provided, single submitter. Criteria: Invitae Variant Classification Sherloc (09022015). Collection method: clinical testing. Allele origin: germline.
Comment: This sequence change replaces isoleucine, which is neutral and non-polar, with valine, which is neutral and non-polar, at codon 1228 of the RAD50 protein (p.Ile1228Val). This variant is present in population databases (no rsID available, gnomAD 0.007%). This variant has not been reported in the literature in individuals affected with RAD50-related conditions. ClinVar contains an entry for this variant (Variation ID: 234073). Invitae Evidence Modeling of protein sequence and biophysical properties (such as structural, functional, and spatial information, amino acid conservation, physicochemical variation, residue mobility, and thermodynamic stability) indicates that this missense variant is not expected to disrupt RAD50 protein function with a negative predictive value of 80%. In summary, the available evidence is currently insufficient to determine the role of this variant in disease. Therefore, it has been classified as a Variant of Uncertain Significance.